The following is an entry in ClinVar:

NM_000393.5(COL5A2):c.3179G>A (p.Arg1060Gln)

Gene: COL5A2 (collagen type V alpha 2 chain; minus strand). Cytogenetic location: 2q32.2.
Variant type: single nucleotide variant.
Coding change: c.3179G>A on transcript NM_000393.5 (MANE Select); coding-DNA position 3179, G replaced by A.
Protein change: p.Arg1060Gln; replaces arginine 1060 with glutamine.
Molecular consequence: missense variant.
Genome position (GRCh38, 1-based): chr2:189,048,231, C>T on the plus strand (G>A on the coding strand, the complement: COL5A2 is on the minus strand). VCF-style: chr2-189048231-C-T. GRCh37 (hg19) VCF-style: chr2-189912957-C-T.
Other names: c.3179G>A (NM_000393.3); short protein forms R1060Q.
Identifiers: ClinVar variation 3665519 (VCV003665519.5).

ClinVar aggregate classification (germline): Uncertain significance. Review status: criteria provided, multiple submitters, no conflicts (2 of 4 stars). 3 submissions from 3 submitters: Uncertain significance (3). Last evaluated 2026-02-14.

Conditions:
Ehlers-Danlos syndrome, classic type, 1 (EDSCL1). Also called: EHLERS-DANLOS SYNDROME, GRAVIS TYPE; EHLERS-DANLOS SYNDROME, SEVERE CLASSIC TYPE; Ehlers-Danlos syndrome, type 1; Ehlers-Danlos Syndrome, Classic Type, COL5A1-Related; EDS I. Identifiers: MedGen C0268335, MONDO:0019567, OMIM 130000.
Familial thoracic aortic aneurysm and aortic dissection (TAAD). Also called: Thoracic aortic aneurysms and dissections. Identifiers: Orphanet 91387, MedGen C4707243, MONDO:0019625.

gnomAD v4.1: 21 of 1,613,914 alleles (0.0013%); highest among the groups gnomAD compares: South Asian, 0.0022%; no homozygotes.

Submissions (3):

Ambry Genetics
Classification: Uncertain significance for Familial thoracic aortic aneurysm and aortic dissection. Last evaluated: 2026-02-14. Review status: criteria provided, single submitter. Criteria: Ambry Variant Classification Scheme 2023. Collection method: clinical testing. Allele origin: germline.
Comment: The p.R1060Q variant (also known as c.3179G>A), located in coding exon 45 of the COL5A2 gene, results from a G to A substitution at nucleotide position 3179. The arginine at codon 1060 is replaced by glutamine, an amino acid with highly similar properties. This amino acid position is conserved. In addition, the in silico prediction for this alteration is inconclusive. Based on the available evidence, the clinical significance of this variant remains unclear.

Labcorp Genetics (formerly Invitae), Labcorp
Classification: Uncertain significance for Ehlers-Danlos syndrome, classic type, 1. Last evaluated: 2025-02-26. Review status: criteria provided, single submitter. Criteria: Invitae Variant Classification Sherloc (09022015). Collection method: clinical testing. Allele origin: germline.
Comment: This sequence change replaces arginine, which is basic and polar, with glutamine, which is neutral and polar, at codon 1060 of the COL5A2 protein (p.Arg1060Gln). This variant is present in population databases (rs761042179, gnomAD 0.003%). This variant has not been reported in the literature in individuals affected with COL5A2-related conditions. Invitae Evidence Modeling of protein sequence and biophysical properties (such as structural, functional, and spatial information, amino acid conservation, physicochemical variation, residue mobility, and thermodynamic stability) indicates that this missense variant is not expected to disrupt COL5A2 protein function with a negative predictive value of 80%. In summary, the available evidence is currently insufficient to determine the role of this variant in disease. Therefore, it has been classified as a Variant of Uncertain Significance.

Dasa
Classification: Uncertain significance. Last evaluated: 2024-12-16. Review status: criteria provided, single submitter. Criteria: DASA Assertion Criteria. Collection method: clinical testing. Allele origin: germline.
Comment: NM_000393.5(COL5A2):c.3179G>A (p.Arg1060Gln) is a missense variant that results in the substitution of arginine with glutamine. This variant is rare in population databases. The currently available literature and clinical evidence are not sufficient to establish a definitive association between this variant and the reported condition. Therefore, this variant is classified as a variant of uncertain significance.